The following is an entry in ClinVar:

ClinVar aggregate classification (germline): Uncertain significance (1 of 4 stars; one submission).

Conditions:
TMLHE-related disorder. Also called: TMLHE-related condition.

Submission:

PreventionGenetics, part of Exact Sciences
Classification: Uncertain significance for TMLHE-related condition. Last evaluated: 2026-01-22. Review status: criteria provided, single submitter. Criteria: ACMG Guidelines, 2015. Collection method: clinical testing. Allele origin: germline.
Comment: The TMLHE c.671C>T variant is predicted to result in the amino acid substitution p.Thr224Ile. To our knowledge, this variant has not been reported in the literature or in a large population database (gnomAD), indicating this variant is rare. At this time, the clinical significance of this variant is uncertain due to the absence of conclusive functional and genetic evidence.

NM_018196.4(TMLHE):c.671C>T (p.Thr224Ile)

Gene: TMLHE (trimethyllysine hydroxylase, epsilon; minus strand). Cytogenetic location: Xq28.
Variant type: single nucleotide variant.
Coding change: c.671C>T on transcript NM_018196.4 (MANE Select); coding-DNA position 671, C replaced by T.
Protein change: p.Thr224Ile; replaces threonine 224 with isoleucine.
Molecular consequence: missense variant.
Genome position (GRCh38, 1-based): chrX:155,511,760, G>A on the plus strand (C>T on the coding strand, the complement: TMLHE is on the minus strand). VCF-style: chrX-155511760-G-A. GRCh37 (hg19) VCF-style: chrX-154741421-G-A.
Other names: c.671C>T, p.Thr224Ile (NM_001184797.2); short protein forms T224I.
Identifiers: ClinVar variation 2630958 (VCV002630958.2), dbSNP rs2520806024, ClinGen allele CA414939836.
Genomic context (GRCh38, chrX:155,511,760, plus strand): 5'-TCAGTGTGCCGATCCAGAGCTAGCTTGGTGTACGCAGTGTCACCTCTGGAGAAGTCTGAA[G>A]TGAAATACCACATCCTCCCATAAATGGTTTCTCTGTTAGTTGAAATAAAGAAAGACCTGT-3'
Protein context (NP_060666.1, residues 214-234): ETIYGRMWYF[Thr224Ile]SDFSRGDTAY